The following is an entry in ClinVar:

NM_000921.5(PDE3A):c.1751T>C (p.Ile584Thr)

Gene: PDE3A (phosphodiesterase 3A; plus strand). Cytogenetic location: 12p12.2.
Variant type: single nucleotide variant.
Coding change: c.1751T>C on transcript NM_000921.5 (MANE Select); coding-DNA position 1751, T replaced by C.
Protein change: p.Ile584Thr; replaces isoleucine 584 with threonine.
Molecular consequence: missense variant. On other transcripts: intron variant (1).
Genome position (GRCh38, 1-based): chr12:20,630,118, T>C. VCF-style: chr12-20630118-T-C. GRCh37 (hg19) VCF-style: chr12-20783052-T-C.
Other names: c.785T>C, p.Ile262Thr (NM_001244683.2, NM_001378409.1); c.788T>C, p.Ile263Thr (NM_001378408.1); c.1541-4784T>C (NM_001378407.1); short protein forms I262T, I584T, I263T.
Identifiers: ClinVar variation 2908845 (VCV002908845.3), dbSNP rs969968370, ClinGen allele CA233451855.

ClinVar aggregate classification (germline): Uncertain significance (1 of 4 stars; one submission).

Allele frequency attached by ClinVar (database versions not stated): gnomAD exomes below 0.00001; gnomAD 0.00002; TOPMed 0.00003.
gnomAD v4.1: 5 of 1,600,712 alleles (0.00031%); highest among the groups gnomAD compares: African/African-American, 0.0054%; no homozygotes.

Submission:

Labcorp Genetics (formerly Invitae), Labcorp
Classification: Uncertain significance. Last evaluated: 2024-04-27. Review status: criteria provided, single submitter. Criteria: Invitae Variant Classification Sherloc (09022015). Collection method: clinical testing. Allele origin: germline.
Comment: This sequence change replaces isoleucine, which is neutral and non-polar, with threonine, which is neutral and polar, at codon 584 of the PDE3A protein (p.Ile584Thr). This variant is present in population databases (no rsID available, gnomAD 0.007%). This variant has not been reported in the literature in individuals affected with PDE3A-related conditions. An algorithm developed to predict the effect of missense changes on protein structure and function (PolyPhen-2) suggests that this variant is likely to be tolerated. In summary, the available evidence is currently insufficient to determine the role of this variant in disease. Therefore, it has been classified as a Variant of Uncertain Significance.